The following is an entry in ClinVar:

ClinVar aggregate classification (germline): Uncertain significance. Review status: criteria provided, multiple submitters, no conflicts (2 of 4 stars). 2 submissions from 2 submitters: Uncertain significance (2). Last evaluated 2025-09-02.

Conditions:
Spinocerebellar ataxia type 19/22 (SCA19). Also called: SPINOCEREBELLAR ATAXIA 22; SPINOCEREBELLAR ATAXIA 19. Identifiers: Orphanet 98772, MedGen C1846367, MONDO:0011819, OMIM 607346.
Cardiovascular phenotype. Identifiers: MedGen CN230736.

Allele frequency attached by ClinVar (database versions not stated): gnomAD 0.00001; gnomAD exomes 0.00002; ExAC 0.00004.
gnomAD v4.1: 12 of 1,613,656 alleles (0.00074%); highest among the groups gnomAD compares: Non-Finnish European, 0.00085%; no homozygotes.

Submissions (2):

Labcorp Genetics (formerly Invitae), Labcorp
Classification: Uncertain significance for Spinocerebellar ataxia type 19/22. Last evaluated: 2025-09-02. Review status: criteria provided, single submitter. Criteria: Invitae Variant Classification Sherloc (09022015). Collection method: clinical testing. Allele origin: germline.
Comment: This sequence change replaces glycine, which is neutral and non-polar, with serine, which is neutral and polar, at codon 208 of the KCND3 protein (p.Gly208Ser). This variant is present in population databases (rs760097003, gnomAD 0.006%). This variant has not been reported in the literature in individuals affected with KCND3-related conditions. ClinVar contains an entry for this variant (Variation ID: 1352772). Invitae Evidence Modeling of protein sequence and biophysical properties (such as structural, functional, and spatial information, amino acid conservation, physicochemical variation, residue mobility, and thermodynamic stability) indicates that this missense variant is not expected to disrupt KCND3 protein function with a negative predictive value of 95%. In summary, the available evidence is currently insufficient to determine the role of this variant in disease. Therefore, it has been classified as a Variant of Uncertain Significance.

Ambry Genetics
Classification: Uncertain significance for Cardiovascular phenotype. Last evaluated: 2025-02-10. Review status: criteria provided, single submitter. Criteria: Ambry Variant Classification Scheme 2023. Collection method: clinical testing. Allele origin: germline.
Comment: The p.G208S variant (also known as c.622G>A), located in coding exon 1 of the KCND3 gene, results from a G to A substitution at nucleotide position 622. The glycine at codon 208 is replaced by serine, an amino acid with similar properties. This amino acid position is conserved. In addition, this alteration is predicted to be deleterious by in silico analysis. Based on the available evidence, the clinical significance of this variant remains unclear.

NM_001378969.1(KCND3):c.622G>A (p.Gly208Ser)

Gene: KCND3 (potassium voltage-gated channel subfamily D member 3; minus strand). Cytogenetic location: 1p13.2.
Variant type: single nucleotide variant.
Coding change: c.622G>A on transcript NM_001378969.1 (MANE Select); coding-DNA position 622, G replaced by A.
Protein change: p.Gly208Ser; replaces glycine 208 with serine.
Molecular consequence: missense variant.
Genome position (GRCh38, 1-based): chr1:111,982,105, C>T on the plus strand (G>A on the coding strand, the complement: KCND3 is on the minus strand). VCF-style: chr1-111982105-C-T. GRCh37 (hg19) VCF-style: chr1-112524727-C-T.
Other names: c.622G>A, p.Gly208Ser (NM_001378970.1, NM_004980.5, NM_172198.3); c.622G>A (NM_004980.4); short protein forms G208S.
Identifiers: ClinVar variation 1352772 (VCV001352772.7), dbSNP rs760097003, ClinGen allele CA1007582.